The following is an entry in ClinVar:

NM_020831.6(MRTFA):c.1993GCCCCC[1] (p.665AP[1])

Gene: MRTFA (myocardin related transcription factor A; minus strand). Cytogenetic location: 22q13.1.
Variant type: Microsatellite.
Coding change: c.1993GCCCCC[1] on transcript NM_020831.6 (MANE Select); one copy of the 6-base unit GCCCCC starting at c.1993; the reference has three copies in a row; two copies, 12 bases deleted.
Protein change: p.665AP[1].
Molecular consequence: inframe deletion.
Genome position (GRCh38, 1-based): chr22:40,418,728-40,418,739, GGGGGCGGGGGC deleted on the plus strand (GCCCCCGCCCCC on the coding strand, the reverse complement: MRTFA is on the minus strand); deleting any 12 consecutive bases within chr22:40,418,728-40,418,748 gives the same sequence; the position shown is the placement nearest the transcript's 3' end. VCF-style (leftmost placement, unchanged base first): chr22-40418727-GGGGGGCGGGGGC-G. GRCh37 (hg19) VCF-style: chr22-40814731-GGGGGGCGGGGGC-G.
Other names: c.1693GCCCCC[1], p.565AP[1] (NM_001282660.2); c.1843GCCCCC[1], p.615AP[1] (NM_001282661.3); c.1993GCCCCC[1], p.665AP[1] (NM_001282662.3); c.1798GCCCCC[1], p.600AP[1] (NM_001318139.2).
Identifiers: ClinVar variation 2090275 (VCV002090275.4), dbSNP rs754085988, ClinGen allele CA10249470.

ClinVar aggregate classification (germline): Uncertain significance (1 of 4 stars; one submission).

Submission:

Labcorp Genetics (formerly Invitae), Labcorp
Classification: Uncertain significance. Last evaluated: 2023-08-10. Review status: criteria provided, single submitter. Criteria: Invitae Variant Classification Sherloc (09022015). Collection method: clinical testing. Allele origin: germline.
Comment: In summary, the available evidence is currently insufficient to determine the role of this variant in disease. Therefore, it has been classified as a Variant of Uncertain Significance. Experimental studies and prediction algorithms are not available or were not evaluated, and the functional significance of this variant is currently unknown. This variant has not been reported in the literature in individuals affected with MKL1-related conditions. The frequency data for this variant in the population databases is considered unreliable, as metrics indicate poor data quality at this position in the gnomAD database. This variant, c.1699_1710del, results in the deletion of 4 amino acid(s) of the MKL1 protein (p.Ala567_Pro570del), but otherwise preserves the integrity of the reading frame.